The following is an entry in ClinVar:

ClinVar aggregate classification (germline): Uncertain significance (1 of 4 stars; one submission).

Conditions:
Mitochondrial complex II deficiency, nuclear type 1. Also called: SUCCINATE CoQ REDUCTASE DEFICIENCY. Identifiers: Orphanet 3208, MedGen C5700310, MONDO:0100294, OMIM 252011.
Pheochromocytoma/paraganglioma syndrome 5. Also called: Paragangliomas 5; SDHA-Related Hereditary Paraganglioma-Pheochromocytoma Syndrome. Identifiers: Orphanet 29072, MedGen C3279992, MONDO:0013602, OMIM 614165.

Submission:

Labcorp Genetics (formerly Invitae), Labcorp
Classification: Uncertain significance for Pheochromocytoma/paraganglioma syndrome 5; Mitochondrial complex II deficiency, nuclear type 1. Last evaluated: 2023-05-23. Review status: criteria provided, single submitter. Criteria: Invitae Variant Classification Sherloc (09022015). Collection method: clinical testing. Allele origin: germline.
Comment: This sequence change replaces aspartic acid, which is acidic and polar, with asparagine, which is neutral and polar, at codon 59 of the SDHA protein (p.Asp59Asn). This variant is not present in population databases (gnomAD no frequency). This variant has not been reported in the literature in individuals affected with SDHA-related conditions. ClinVar contains an entry for this variant (Variation ID: 1719772). Advanced modeling of protein sequence and biophysical properties (such as structural, functional, and spatial information, amino acid conservation, physicochemical variation, residue mobility, and thermodynamic stability) performed at Invitae indicates that this missense variant is not expected to disrupt SDHA protein function. In summary, the available evidence is currently insufficient to determine the role of this variant in disease. Therefore, it has been classified as a Variant of Uncertain Significance.

NM_004168.4(SDHA):c.175G>A (p.Asp59Asn)

Gene: SDHA (succinate dehydrogenase complex flavoprotein subunit A; plus strand). Cytogenetic location: 5p15.33.
Variant type: single nucleotide variant.
Coding change: c.175G>A on transcript NM_004168.4 (MANE Select); coding-DNA position 175, G replaced by A.
Protein change: p.Asp59Asn; replaces aspartic acid 59 with asparagine.
Molecular consequence: missense variant.
Genome position (GRCh38, 1-based): chr5:224,384, G>A. VCF-style: chr5-224384-G-A. GRCh37 (hg19) VCF-style: chr5-224499-G-A.
Other names: c.175G>A, p.Asp59Asn (NM_001294332.2, NM_001330758.2); short protein forms D59N.
Identifiers: ClinVar variation 1719772 (VCV001719772.6), dbSNP rs2477285580, ClinGen allele CA359008416.